The following is an entry in ClinVar:

NM_001128840.3(CACNA1D):c.2167T>G (p.Ser723Ala)

Gene: CACNA1D (calcium voltage-gated channel subunit alpha1 D; plus strand). Cytogenetic location: 3p21.1.
Variant type: single nucleotide variant.
Coding change: c.2167T>G on transcript NM_001128840.3 (MANE Select); coding-DNA position 2167, T replaced by G.
Protein change: p.Ser723Ala; replaces serine 723 with alanine.
Molecular consequence: missense variant.
Genome position (GRCh38, 1-based): chr3:53,726,945, T>G. VCF-style: chr3-53726945-T-G. GRCh37 (hg19) VCF-style: chr3-53760972-T-G.
Other names: c.2227T>G, p.Ser743Ala (NM_000720.4); c.2167T>G, p.Ser723Ala (NM_001128839.3); short protein forms S743A, S723A.
Identifiers: ClinVar variation 4702702 (VCV004702702.1).

ClinVar aggregate classification (germline): Uncertain significance (1 of 4 stars; one submission).

gnomAD v4.1: 1 of 1,614,208 alleles (0.000062%); highest among the groups gnomAD compares: Non-Finnish European, 0.000085%; no homozygotes.

Submission:

Labcorp Genetics (formerly Invitae), Labcorp
Classification: Uncertain significance. Last evaluated: 2025-12-16. Review status: criteria provided, single submitter. Criteria: Invitae Variant Classification Sherloc (09022015). Collection method: clinical testing. Allele origin: germline.
Comment: This sequence change replaces serine, which is neutral and polar, with alanine, which is neutral and non-polar, at codon 743 of the CACNA1D protein (p.Ser743Ala). This variant is present in population databases (no rsID available, gnomAD 0.0009%). This variant has not been reported in the literature in individuals affected with CACNA1D-related conditions. Invitae Evidence Modeling of protein sequence and biophysical properties (such as structural, functional, and spatial information, amino acid conservation, physicochemical variation, residue mobility, and thermodynamic stability) indicates that this missense variant is not expected to disrupt CACNA1D protein function with a negative predictive value of 80%. In summary, the available evidence is currently insufficient to determine the role of this variant in disease. Therefore, it has been classified as a Variant of Uncertain Significance.